The following is an entry in ClinVar:

NM_001379081.2(FREM1):c.4791T>C (p.Asp1597=)

Gene: FREM1 (FRAS1 related extracellular matrix 1; minus strand). Cytogenetic location: 9p22.3.
Variant type: single nucleotide variant.
Coding change: c.4791T>C on transcript NM_001379081.2 (MANE Select); coding-DNA position 4791, T replaced by C.
Protein change: p.Asp1597=; no amino-acid change (aspartic acid 1597 retained).
Molecular consequence: synonymous variant. On other transcripts: non-coding transcript variant (2).
Genome position (GRCh38, 1-based): chr9:14,775,855, A>G on the plus strand (T>C on the coding strand, the complement: FREM1 is on the minus strand). VCF-style: chr9-14775855-A-G. GRCh37 (hg19) VCF-style: chr9-14775853-A-G.
Other names: p.Asp1597=; c.399T>C, p.Asp133= (NM_001177704.3, NM_001370058.2, NM_001370061.2); c.4791T>C, p.Asp1597= (NM_144966.7).
Identifiers: ClinVar variation 262542 (VCV000262542.22), dbSNP rs1032474, ClinGen allele CA4990068.

ClinVar aggregate classification (germline): Benign. Review status: criteria provided, multiple submitters, no conflicts (2 of 4 stars). 10 submissions from 10 submitters: Benign (8). 2 of the submissions do not count toward it. Last evaluated 2026-02-04.

Conditions:
Oculotrichoanal syndrome (MOTA). Also called: MARLES SYNDROME; Manitoba Oculotrichoanal (MOTA) Syndrome. Identifiers: Orphanet 2717, MedGen C1855425, MONDO:0009560, OMIM 248450.

Allele frequency attached by ClinVar (database versions not stated): 1000 Genomes Project 30x 0.84291; 1000 Genomes Project 0.84724; TOPMed 0.85111; gnomAD 0.85601 and 0.85768; ESP Exome Variant Server 0.86508; ExAC 0.86785; gnomAD exomes 0.86969 and 0.87523.
gnomAD v4.1: 1,408,759 of 1,613,082 alleles (87%); highest among the groups gnomAD compares: Middle Eastern, 88%; 615,881 homozygotes.

Submissions (10):

Labcorp Genetics (formerly Invitae), Labcorp
Classification: Benign. Last evaluated: 2026-02-04. Review status: criteria provided, single submitter. Criteria: Invitae Variant Classification Sherloc (09022015). Collection method: clinical testing. Allele origin: germline.

Blueprint Genetics
Classification: Benign. Last evaluated: 2024-11-27. Review status: criteria provided, single submitter. Criteria: ACMG Guidelines, 2015. Collection method: clinical testing. Allele origin: germline.

Mayo Clinic Laboratories, Mayo Clinic
Classification: Benign. Last evaluated: 2022-03-09. Review status: criteria provided, single submitter. Criteria: ACMG Guidelines, 2015. Collection method: clinical testing. Allele origin: germline. Observed: 75 variant alleles.

Genome-Nilou Lab
Classification: Benign for Oculotrichoanal syndrome. Last evaluated: 2021-08-10. Review status: criteria provided, single submitter. Criteria: ACMG Guidelines, 2015. Collection method: clinical testing. Allele origin: germline. Affected: no.

GeneDx
Classification: Benign. Last evaluated: 2020-04-28. Review status: criteria provided, single submitter. Criteria: GeneDx Variant Classification Process June 2021. Collection method: clinical testing. Allele origin: germline. Affected: yes.

Illumina Laboratory Services, Illumina
Classification: Benign for Oculotrichoanal syndrome. Last evaluated: 2018-01-13. Review status: criteria provided, single submitter. Criteria: ICSL Variant Classification Criteria 13 December 2019. Collection method: clinical testing. Allele origin: germline.
Comment: This variant was observed in the ICSL laboratory as part of a predisposition screen in an ostensibly healthy population. It had not been previously curated by ICSL or reported in the Human Gene Mutation Database (HGMD: prior to June 1st, 2018), and was therefore a candidate for classification through an automated scoring system. Utilizing variant allele frequency, disease prevalence and penetrance estimates, and inheritance mode, an automated score was calculated to assess if this variant is too frequent to cause the disease. Based on the score and internal cut-off values, a variant classified as benign is not then subjected to further curation. The score for this variant resulted in a classification of benign for this disease.

Breakthrough Genomics
Classification: Benign. Review status: criteria provided, single submitter. Criteria: ACMG Guidelines, 2015. Collection method: not provided. Allele origin: germline. Inheritance: Autosomal recessive inheritance. Affected: yes.

PreventionGenetics, part of Exact Sciences
Classification: Benign. Review status: criteria provided, single submitter. Criteria: ACMG Guidelines, 2015. Collection method: clinical testing. Allele origin: germline.

Diagnostic Laboratory, Department of Genetics, University Medical Center Groningen
Classification: Benign. Review status: no assertion criteria provided. Collection method: clinical testing. Allele origin: germline. Affected: yes. Study: VKGL Data-share Consensus. Not counted in ClinVar's aggregate classification.

Genome Diagnostics Laboratory, University Medical Center Utrecht
Classification: Benign. Review status: no assertion criteria provided. Collection method: clinical testing. Allele origin: germline. Affected: yes. Study: VKGL Data-share Consensus. Not counted in ClinVar's aggregate classification.